The following is an entry in ClinVar:

NM_000322.5(PRPH2):c.289T>C (p.Trp97Arg)

Gene: PRPH2 (peripherin 2; minus strand). Cytogenetic location: 6p21.1.
Variant type: single nucleotide variant.
Coding change: c.289T>C on transcript NM_000322.5 (MANE Select); coding-DNA position 289, T replaced by C.
Protein change: p.Trp97Arg; replaces tryptophan 97 with arginine.
Molecular consequence: missense variant.
Genome position (GRCh38, 1-based): chr6:42,722,046, A>G on the plus strand (T>C on the coding strand, the complement: PRPH2 is on the minus strand). VCF-style: chr6-42722046-A-G. GRCh37 (hg19) VCF-style: chr6-42689784-A-G.
Other names: short protein forms W97R.
Identifiers: ClinVar variation 3676867 (VCV003676867.2).

ClinVar aggregate classification (germline): Uncertain significance (1 of 4 stars; one submission).

Conditions:
PRPH2-related disorder. Also called: PRPH2-related disorders; PRPH2-related condition. Identifiers: MedGen CN239395.

gnomAD v4.1: 7 of 1,614,178 alleles (0.00043%); highest among the groups gnomAD compares: African/African-American, 0.004%; no homozygotes.

Submission:

Labcorp Genetics (formerly Invitae), Labcorp
Classification: Uncertain significance for PRPH2-related disorder. Last evaluated: 2025-01-15. Review status: criteria provided, single submitter. Criteria: Invitae Variant Classification Sherloc (09022015). Collection method: clinical testing. Allele origin: germline.
Comment: This sequence change replaces tryptophan, which is neutral and slightly polar, with arginine, which is basic and polar, at codon 97 of the PRPH2 protein (p.Trp97Arg). This variant is present in population databases (no rsID available, gnomAD 0.003%). This variant has not been reported in the literature in individuals affected with PRPH2-related conditions. Invitae Evidence Modeling of protein sequence and biophysical properties (such as structural, functional, and spatial information, amino acid conservation, physicochemical variation, residue mobility, and thermodynamic stability) has been performed for this missense variant. However, the output from this modeling did not meet the statistical confidence thresholds required to predict the impact of this variant on PRPH2 protein function. In summary, the available evidence is currently insufficient to determine the role of this variant in disease. Therefore, it has been classified as a Variant of Uncertain Significance.